The following is an entry in ClinVar:

ClinVar aggregate classification (germline): Uncertain significance. Review status: criteria provided, multiple submitters, no conflicts (2 of 4 stars). 3 submissions from 3 submitters: Uncertain significance (2). 1 of the submissions does not count toward it. Last evaluated 2026-01-10.

Conditions:
Bloom syndrome (BLM). Also called: Bloom-Torre-Machacek syndrome. Identifiers: Orphanet 125, MedGen C0005859, MONDO:0008876, OMIM 210900.
Hereditary cancer-predisposing syndrome. Also called: Neoplastic Syndromes, Hereditary; Tumor predisposition; Hereditary Cancer Syndrome; Hereditary neoplastic syndrome. Identifiers: Orphanet 140162, MedGen C0027672, MeSH D009386, MONDO:0015356.

Allele frequency attached by ClinVar (database versions not stated): ExAC 0.00001; gnomAD exomes 0.00001; TOPMed 0.00001.
gnomAD v4.1: 8 of 1,605,562 alleles (0.0005%); highest among the groups gnomAD compares: South Asian, 0.0034%; no homozygotes.

Submissions (3):

Labcorp Genetics (formerly Invitae), Labcorp
Classification: Uncertain significance for Bloom syndrome. Last evaluated: 2026-01-10. Review status: criteria provided, single submitter. Criteria: Invitae Variant Classification Sherloc (09022015). Collection method: clinical testing. Allele origin: germline.
Comment: This sequence change replaces threonine, which is neutral and polar, with methionine, which is neutral and non-polar, at codon 1034 of the BLM protein (p.Thr1034Met). The frequency data for this variant in the population databases is considered unreliable, as metrics indicate poor data quality at this position in the gnomAD database. This variant has not been reported in the literature in individuals affected with BLM-related conditions. ClinVar contains an entry for this variant (Variation ID: 485362). Invitae Evidence Modeling of protein sequence and biophysical properties (such as structural, functional, and spatial information, amino acid conservation, physicochemical variation, residue mobility, and thermodynamic stability) indicates that this missense variant is not expected to disrupt BLM protein function with a negative predictive value of 80%. In summary, the available evidence is currently insufficient to determine the role of this variant in disease. Therefore, it has been classified as a Variant of Uncertain Significance.

Ambry Genetics
Classification: Uncertain significance for Hereditary cancer-predisposing syndrome. Last evaluated: 2025-04-13. Review status: criteria provided, single submitter. Criteria: Ambry Variant Classification Scheme 2023. Collection method: clinical testing. Allele origin: germline.
Comment: The p.T1034M variant (also known as c.3101C>T), located in coding exon 15 of the BLM gene, results from a C to T substitution at nucleotide position 3101. The threonine at codon 1034 is replaced by methionine, an amino acid with similar properties. This amino acid position is not well conserved in available vertebrate species. In addition, this alteration is predicted to be tolerated by in silico analysis. Since supporting evidence is limited at this time, the clinical significance of this alteration remains unclear.

Natera, Inc.
Classification: Uncertain significance for Bloom syndrome. Last evaluated: 2018-09-17. Review status: no assertion criteria provided. Collection method: clinical testing. Allele origin: germline. Not counted in ClinVar's aggregate classification.

NM_000057.4(BLM):c.3101C>T (p.Thr1034Met)

Gene: BLM (BLM RecQ like helicase; plus strand). Cytogenetic location: 15q26.1.
Variant type: single nucleotide variant.
Coding change: c.3101C>T on transcript NM_000057.4 (MANE Select); coding-DNA position 3101, C replaced by T.
Protein change: p.Thr1034Met; replaces threonine 1034 with methionine.
Molecular consequence: missense variant.
Genome position (GRCh38, 1-based): chr15:90,794,248, C>T. VCF-style: chr15-90794248-C-T. GRCh37 (hg19) VCF-style: chr15-91337478-C-T.
Other names: c.3101C>T (LRG_20t1); c.3101C>T, p.Thr1034Met (NM_001287246.2, NM_001287247.2); c.1976C>T, p.Thr659Met (NM_001287248.2); short protein forms T1034M, T659M.
Identifiers: ClinVar variation 485362 (VCV000485362.19), dbSNP rs753652339, ClinGen allele CA7738939.